The following is an entry in ClinVar:

ClinVar aggregate classification (germline): Uncertain significance (1 of 4 stars; one submission).

Conditions:
Hereditary spastic paraplegia 8 (SPG8). Also called: SPASTIC PARAPLEGIA 8, AUTOSOMAL DOMINANT. Identifiers: Orphanet 100989, MedGen C1863704, MONDO:0011339, OMIM 603563.
Ritscher-Schinzel syndrome. Also called: CRANIOCEREBELLOCARDIAC DYSPLASIA. Identifiers: Orphanet 7, MedGen C0796137, MONDO:0019078.

Allele frequency attached by ClinVar (database versions not stated): TOPMed 0.00004.
gnomAD v4.1: 45 of 1,613,940 alleles (0.0028%); highest among the groups gnomAD compares: Non-Finnish European, 0.0037%; no homozygotes.

Submission:

Labcorp Genetics (formerly Invitae), Labcorp
Classification: Uncertain significance for Ritscher-Schinzel syndrome; Hereditary spastic paraplegia 8. Last evaluated: 2025-12-16. Review status: criteria provided, single submitter. Criteria: Invitae Variant Classification Sherloc (09022015). Collection method: clinical testing. Allele origin: germline.
Comment: This sequence change replaces lysine, which is basic and polar, with asparagine, which is neutral and polar, at codon 810 of the WASHC5 protein (p.Lys810Asn). This variant is present in population databases (rs140742485, gnomAD 0.009%). This missense change has been observed in individual(s) with clinical features of hereditary spastic paraplegia (internal data). ClinVar contains an entry for this variant (Variation ID: 216683). Invitae Evidence Modeling of protein sequence and biophysical properties (such as structural, functional, and spatial information, amino acid conservation, physicochemical variation, residue mobility, and thermodynamic stability) indicates that this missense variant is not expected to disrupt WASHC5 protein function with a negative predictive value of 80%. In summary, the available evidence is currently insufficient to determine the role of this variant in disease. Therefore, it has been classified as a Variant of Uncertain Significance.

NM_014846.4(WASHC5):c.2430G>C (p.Lys810Asn)

Gene: WASHC5 (WASH complex subunit 5; minus strand). Cytogenetic location: 8q24.13.
Variant type: single nucleotide variant.
Coding change: c.2430G>C on transcript NM_014846.4 (MANE Select); coding-DNA position 2430, G replaced by C.
Protein change: p.Lys810Asn; replaces lysine 810 with asparagine.
Molecular consequence: missense variant.
Genome position (GRCh38, 1-based): chr8:125,047,281, C>G on the plus strand (G>C on the coding strand, the complement: WASHC5 is on the minus strand). VCF-style: chr8-125047281-C-G. GRCh37 (hg19) VCF-style: chr8-126059523-C-G.
Other names: c.1986G>C, p.Lys662Asn (NM_001330609.2); short protein forms K810N, K662N.
Identifiers: ClinVar variation 216683 (VCV000216683.10), dbSNP rs140742485, ClinGen allele CA336605.